The following is an entry in ClinVar:

ClinVar aggregate classification (germline): Uncertain significance. Review status: criteria provided, multiple submitters, no conflicts (2 of 4 stars). 2 submissions from 2 submitters: Uncertain significance (2). Last evaluated 2024-03-21.

Conditions:
Inborn genetic diseases. Identifiers: MedGen C0950123, MeSH D030342.

Allele frequency attached by ClinVar (database versions not stated): gnomAD exomes below 0.00001; TOPMed 0.00002; gnomAD 0.00003.
gnomAD v4.1: 7 of 1,612,126 alleles (0.00043%); highest among the groups gnomAD compares: African/African-American, 0.004%; no homozygotes.

Submissions (2):

Labcorp Genetics (formerly Invitae), Labcorp
Classification: Uncertain significance. Last evaluated: 2024-03-21. Review status: criteria provided, single submitter. Criteria: Invitae Variant Classification Sherloc (09022015). Collection method: clinical testing. Allele origin: germline.
Comment: This sequence change replaces leucine, which is neutral and non-polar, with valine, which is neutral and non-polar, at codon 181 of the SLC16A1 protein (p.Leu181Val). This variant is present in population databases (no rsID available, gnomAD 0.01%). This variant has not been reported in the literature in individuals affected with SLC16A1-related conditions. ClinVar contains an entry for this variant (Variation ID: 2486514). An algorithm developed to predict the effect of missense changes on protein structure and function (PolyPhen-2) suggests that this variant is likely to be disruptive. In summary, the available evidence is currently insufficient to determine the role of this variant in disease. Therefore, it has been classified as a Variant of Uncertain Significance.

Ambry Genetics
Classification: Uncertain significance for Inborn genetic diseases. Last evaluated: 2023-02-16. Review status: criteria provided, single submitter. Criteria: Ambry Variant Classification Scheme 2023. Collection method: clinical testing. Allele origin: germline.

NM_003051.4(SLC16A1):c.541C>G (p.Leu181Val)

Gene: SLC16A1 (solute carrier family 16 member 1; minus strand). Cytogenetic location: 1p13.2.
Variant type: single nucleotide variant.
Coding change: c.541C>G on transcript NM_003051.4 (MANE Select); coding-DNA position 541, C replaced by G.
Protein change: p.Leu181Val; replaces leucine 181 with valine.
Molecular consequence: missense variant.
Genome position (GRCh38, 1-based): chr1:112,917,865, G>C on the plus strand (C>G on the coding strand, the complement: SLC16A1 is on the minus strand). VCF-style: chr1-112917865-G-C. GRCh37 (hg19) VCF-style: chr1-113460487-G-C.
Other names: c.541C>G, p.Leu181Val (NM_001166496.2); short protein forms L181V.
Identifiers: ClinVar variation 2486514 (VCV002486514.5), dbSNP rs866320665, ClinGen allele CA341828740.